The following is an entry in ClinVar:

ClinVar aggregate classification (germline): Likely pathogenic. Review status: criteria provided, multiple submitters, no conflicts (2 of 4 stars). 2 submissions from 2 submitters: Likely pathogenic (2). Last evaluated 2017-12-11.

Conditions:
Arthrogryposis, distal, with impaired proprioception and touch (DAIPT). Identifiers: MedGen C4310692, MONDO:0014941, OMIM 617146.

Allele frequency attached by ClinVar (database versions not stated): gnomAD exomes below 0.00001; gnomAD 0.00001; TOPMed 0.00001.
gnomAD v4.1: 3 of 1,546,860 alleles (0.00019%); highest among the groups gnomAD compares: Non-Finnish European, 0.00026%; no homozygotes.

Submissions (2):

Undiagnosed Diseases Network, NIH
Classification: Likely pathogenic for Arthrogryposis, distal, with impaired proprioception and touch. Last evaluated: 2017-12-11. Review status: criteria provided, single submitter. Criteria: ACMG Guidelines, 2015. Collection method: clinical testing. Allele origin: paternal. Inheritance: Autosomal recessive inheritance. Affected: yes. Observed: 1 variant allele, 1 compound heterozygote.
Comment: It is predicted to cause abnormal gene splicing resulting in an in-frame protein product with an abnormal message.

GeneDx
Classification: Likely pathogenic. Last evaluated: 2017-12-07. Review status: criteria provided, single submitter. Criteria: GeneDx Variant Classification (06012015). Collection method: clinical testing. Allele origin: germline. Affected: yes.
Comment: The c.1528-1G>A variant in the PIEZO2 gene has not been reported previously as a pathogenic variant nor as a benign variant, to our knowledge. This splice site variant destroys the canonical splice acceptor site in intron 12. It is predicted to cause abnormal gene splicing resulting in an in-frame protein product with an abnormal message. The c.1528-1G>A variant is not observed in large population cohorts (Lek et al., 2016). We interpret c.1528-1G>A as a likely pathogenic variant.

NM_001378183.1(PIEZO2):c.1528-1G>A

Gene: PIEZO2 (piezo type mechanosensitive ion channel component 2; minus strand). Cytogenetic location: 18p11.22.
Variant type: single nucleotide variant.
Coding change: c.1528-1G>A on transcript NM_001378183.1 (MANE Select); the canonical splice acceptor site of the intron before coding-DNA position 1528, G replaced by A.
Molecular consequence: splice acceptor variant.
Genome position (GRCh38, 1-based): chr18:10,795,003, C>T on the plus strand (G>A on the coding strand, the complement: PIEZO2 is on the minus strand). VCF-style: chr18-10795003-C-T. GRCh37 (hg19) VCF-style: chr18-10795001-C-T.
Other names: c.1528-1G>A (NM_022068.4, NM_001410871.1).
Identifiers: ClinVar variation 489220 (VCV000489220.4), dbSNP rs1555648288, ClinGen allele CA401924702.